The following is an entry in ClinVar:

ClinVar aggregate classification (germline): Uncertain significance (1 of 4 stars; one submission).

Conditions:
Inborn genetic diseases. Identifiers: MedGen C0950123, MeSH D030342.

Submission:

Ambry Genetics
Classification: Uncertain significance for Inborn genetic diseases. Last evaluated: 2026-08-25. Review status: criteria provided, single submitter. Criteria: Ambry Variant Classification Scheme 2023. Collection method: clinical testing. Allele origin: germline.
Comment: The p.N440H variant (also known as c.1318A>C), located in coding exon 8 of the FANCM gene, results from an A to C substitution at nucleotide position 1318. The asparagine at codon 440 is replaced by histidine, an amino acid with similar properties. This amino acid position is conserved. In addition, this alteration is predicted to be tolerated by in silico analysis. Based on the available evidence, the clinical significance of this variant remains unclear.

NM_020937.4(FANCM):c.1318A>C (p.Asn440His)

Gene: FANCM (FA complementation group M; plus strand). Cytogenetic location: 14q21.2.
Variant type: single nucleotide variant.
Coding change: c.1318A>C on transcript NM_020937.4 (MANE Select); coding-DNA position 1318, A replaced by C.
Protein change: p.Asn440His; replaces asparagine 440 with histidine.
Molecular consequence: missense variant.
Genome position (GRCh38, 1-based): chr14:45,155,381, A>C. VCF-style: chr14-45155381-A-C. GRCh37 (hg19) VCF-style: chr14-45624584-A-C.
Other names: c.1240A>C, p.Asn414His (NM_001308133.2); c.1318A>C, p.Asn440His (NM_001308134.2); short protein forms N440H, N414H.
Identifiers: ClinVar variation 5021517 (VCV005021517.1).